The following is an entry in ClinVar:

ClinVar aggregate classification (germline): Uncertain significance (1 of 4 stars; one submission).

Conditions:
Glycogen storage disease type III (GSD3). Also called: FORBES DISEASE; Cori disease. Identifiers: Orphanet 366, MedGen C0017922, MONDO:0009291, OMIM 232400.

Allele frequency attached by ClinVar (database versions not stated): TOPMed below 0.00001; gnomAD 0.00001.
gnomAD v4.1: 2 of 1,613,210 alleles (0.00012%); highest among the groups gnomAD compares: African/African-American, 0.0027%; no homozygotes.

Submission:

Labcorp Genetics (formerly Invitae), Labcorp
Classification: Uncertain significance for Glycogen storage disease type III. Last evaluated: 2022-06-13. Review status: criteria provided, single submitter. Criteria: Invitae Variant Classification Sherloc (09022015). Collection method: clinical testing. Allele origin: germline.
Comment: This sequence change replaces tyrosine, which is neutral and polar, with histidine, which is basic and polar, at codon 1117 of the AGL protein (p.Tyr1117His). This variant is present in population databases (no rsID available, gnomAD 0.01%). This variant has not been reported in the literature in individuals affected with AGL-related conditions. Algorithms developed to predict the effect of missense changes on protein structure and function are either unavailable or do not agree on the potential impact of this missense change (SIFT: "Deleterious"; PolyPhen-2: "Benign"; Align-GVGD: "Class C0"). In summary, the available evidence is currently insufficient to determine the role of this variant in disease. Therefore, it has been classified as a Variant of Uncertain Significance.

NM_000642.3(AGL):c.3349T>C (p.Tyr1117His)

Gene: AGL (amylo-alpha-1,6-glucosidase and 4-alpha-glucanotransferase; plus strand). Cytogenetic location: 1p21.2.
Variant type: single nucleotide variant.
Coding change: c.3349T>C on transcript NM_000642.3 (MANE Select); coding-DNA position 3349, T replaced by C.
Protein change: p.Tyr1117His; replaces tyrosine 1117 with histidine.
Molecular consequence: missense variant.
Genome position (GRCh38, 1-based): chr1:99,896,375, T>C. VCF-style: chr1-99896375-T-C. GRCh37 (hg19) VCF-style: chr1-100361931-T-C.
Other names: c.3349T>C, p.Tyr1117His (NM_000028.3, NM_000643.3, NM_000644.3 and 1 more transcripts); c.3301T>C, p.Tyr1101His (NM_000646.3); c.3328T>C, p.Tyr1110His (NM_001425326.1); c.3148T>C, p.Tyr1050His (NM_001425327.1); c.3145T>C, p.Tyr1049His (NM_001425328.1); c.3010T>C, p.Tyr1004His (NM_001425329.1); c.2971T>C, p.Tyr991His (NM_001425332.1); short protein forms Y1117H, Y1101H, Y1004H, Y1049H, Y1050H, Y1110H, Y991H.
Identifiers: ClinVar variation 2177767 (VCV002177767.1), dbSNP rs1294064563, ClinGen allele CA341328932.